The following is an entry in ClinVar:

NM_014874.4(MFN2):c.1463A>T (p.Asn488Ile)

Gene: MFN2 (mitofusin 2; plus strand). Cytogenetic location: 1p36.22.
Variant type: single nucleotide variant.
Coding change: c.1463A>T on transcript NM_014874.4 (MANE Select); coding-DNA position 1463, A replaced by T.
Protein change: p.Asn488Ile; replaces asparagine 488 with isoleucine.
Molecular consequence: missense variant.
Genome position (GRCh38, 1-based): chr1:12,004,895, A>T. VCF-style: chr1-12004895-A-T. GRCh37 (hg19) VCF-style: chr1-12064952-A-T.
Other names: c.1463A>T, p.Asn488Ile (NM_001127660.2); short protein forms N488I.
Identifiers: ClinVar variation 4701377 (VCV004701377.1).

ClinVar aggregate classification (germline): Uncertain significance (1 of 4 stars; one submission).

Conditions:
Charcot-Marie-Tooth disease type 2. Also called: Charcot-Marie-Tooth type 2. Identifiers: Orphanet 64746, MedGen C0270914, MONDO:0018993.

gnomAD v4.1: 2 of 1,612,956 alleles (0.00012%); highest among the groups gnomAD compares: Admixed American, 0.0017%; no homozygotes.

Submission:

Labcorp Genetics (formerly Invitae), Labcorp
Classification: Uncertain significance for Charcot-Marie-Tooth disease type 2. Last evaluated: 2025-03-13. Review status: criteria provided, single submitter. Criteria: Invitae Variant Classification Sherloc (09022015). Collection method: clinical testing. Allele origin: germline.
Comment: This sequence change replaces asparagine, which is neutral and polar, with isoleucine, which is neutral and non-polar, at codon 488 of the MFN2 protein (p.Asn488Ile). This variant is not present in population databases (gnomAD no frequency). This variant has not been reported in the literature in individuals affected with MFN2-related conditions. Invitae Evidence Modeling of protein sequence and biophysical properties (such as structural, functional, and spatial information, amino acid conservation, physicochemical variation, residue mobility, and thermodynamic stability) indicates that this missense variant is not expected to disrupt MFN2 protein function with a negative predictive value of 80%. In summary, the available evidence is currently insufficient to determine the role of this variant in disease. Therefore, it has been classified as a Variant of Uncertain Significance.